The following is an entry in ClinVar:

NM_004629.2(FANCG):c.301G>C (p.Glu101Gln)

Gene: FANCG (FA complementation group G; minus strand). Cytogenetic location: 9p13.3.
Variant type: single nucleotide variant.
Coding change: c.301G>C on transcript NM_004629.2 (MANE Select); coding-DNA position 301, G replaced by C.
Protein change: p.Glu101Gln; replaces glutamic acid 101 with glutamine.
Molecular consequence: missense variant.
Genome position (GRCh38, 1-based): chr9:35,078,611, C>G on the plus strand (G>C on the coding strand, the complement: FANCG is on the minus strand). VCF-style: chr9-35078611-C-G. GRCh37 (hg19) VCF-style: chr9-35078608-C-G.
Other names: short protein forms E101Q.
Identifiers: ClinVar variation 4254482 (VCV004254482.1).

ClinVar aggregate classification (germline): Uncertain significance (1 of 4 stars; one submission).

Conditions:
Inborn genetic diseases. Identifiers: MedGen C0950123, MeSH D030342.

Submission:

Ambry Genetics
Classification: Uncertain significance for Inborn genetic diseases. Last evaluated: 2025-08-23. Review status: criteria provided, single submitter. Criteria: Ambry Variant Classification Scheme 2023. Collection method: clinical testing. Allele origin: germline.
Comment: The p.E101Q variant (also known as c.301G>C), located in coding exon 3 of the FANCG gene, results from a G to C substitution at nucleotide position 301. The glutamic acid at codon 101 is replaced by glutamine, an amino acid with highly similar properties. This amino acid position is conserved. In addition, this alteration is predicted to be tolerated by in silico analysis. Based on the available evidence, the clinical significance of this variant remains unclear.